The following is an entry in ClinVar:

ClinVar aggregate classification (germline): Uncertain significance. Review status: criteria provided, multiple submitters, no conflicts (2 of 4 stars). 2 submissions from 2 submitters: Uncertain significance (2). Last evaluated 2024-10-16.

Conditions:
Cardiovascular phenotype. Identifiers: MedGen CN230736.

Allele frequency attached by ClinVar (database versions not stated): TOPMed below 0.00001; gnomAD exomes below 0.00001.
gnomAD v4.1: 1 of 1,612,276 alleles (0.000062%); highest among the groups gnomAD compares: Non-Finnish European, 0.000085%; no homozygotes.

Submissions (2):

Revvity Omics, Revvity
Classification: Uncertain significance. Last evaluated: 2024-10-16. Review status: criteria provided, single submitter. Criteria: ACMG Guidelines, 2015. Collection method: clinical testing. Allele origin: germline.

Ambry Genetics
Classification: Uncertain significance for Cardiovascular phenotype. Last evaluated: 2020-01-15. Review status: criteria provided, single submitter. Criteria: Ambry Variant Classification Scheme 2023. Collection method: clinical testing. Allele origin: germline.
Comment: The p.W14313R variant (also known as c.42937T>C), located in coding exon 153 of the TTN gene, results from a T to C substitution at nucleotide position 42937. The tryptophan at codon 14313 is replaced by arginine, an amino acid with dissimilar properties. This amino acid position is highly conserved in available vertebrate species. In addition, this alteration is predicted to be deleterious by in silico analysis. Since supporting evidence is limited at this time, the clinical significance of this alteration remains unclear.

NM_001267550.2(TTN):c.70132T>C (p.Trp23378Arg)

Genes: TTN (titin; minus strand), TTN-AS1 (TTN antisense RNA 1; plus strand), LOC126806422 (BRD4-independent group 4 enhancer GRCh37_chr2:179440205-179441404; plus strand). Cytogenetic location: 2q31.2.
Variant type: single nucleotide variant.
Coding change: c.70132T>C on transcript NM_001267550.2 (MANE Select); coding-DNA position 70132, T replaced by C.
Protein change: p.Trp23378Arg; replaces tryptophan 23378 with arginine.
Molecular consequence: missense variant.
Genome position (GRCh38, 1-based): chr2:178,576,000, A>G on the plus strand (T>C on the coding strand, the complement: TTN is on the minus strand). VCF-style: chr2-178576000-A-G. GRCh37 (hg19) VCF-style: chr2-179440727-A-G.
Other names: c.42937T>C, p.Trp14313Arg (NM_003319.4); c.62428T>C, p.Trp20810Arg (NM_133378.4); c.43312T>C, p.Trp14438Arg (NM_133432.3); c.43513T>C, p.Trp14505Arg (NM_133437.4); c.65209T>C, p.Trp21737Arg (NM_001256850.1); short protein forms W23378R, W14313R, W14438R, W20810R, W14505R, W21737R.
Identifiers: ClinVar variation 1739454 (VCV001739454.3), dbSNP rs1709952392, ClinGen allele CA349664761.